The following is an entry in ClinVar:

NM_001287491.2(TET3):c.4427G>A (p.Gly1476Glu)

Gene: TET3 (tet methylcytosine dioxygenase 3; plus strand). Cytogenetic location: 2p13.1.
Variant type: single nucleotide variant.
Coding change: c.4427G>A on transcript NM_001287491.2 (MANE Select); coding-DNA position 4427, G replaced by A.
Protein change: p.Gly1476Glu; replaces glycine 1476 with glutamic acid.
Molecular consequence: missense variant.
Genome position (GRCh38, 1-based): chr2:74,101,215, G>A. VCF-style: chr2-74101215-G-A. GRCh37 (hg19) VCF-style: chr2-74328342-G-A.
Other names: c.4148G>A, p.Gly1383Glu (NM_001366022.1); c.4022G>A, p.Gly1341Glu (NM_144993.1); short protein forms G1383E, G1341E, G1476E.
Identifiers: ClinVar variation 2584911 (VCV002584911.1), dbSNP rs558778723, ClinGen allele CA1719220.

ClinVar aggregate classification (germline): Uncertain significance (1 of 4 stars; one submission).

Conditions:
Beck-Fahrner syndrome (BEFAHRS). Identifiers: Orphanet 684216, MedGen C5394097, MONDO:0032922, OMIM 618798.

Allele frequency attached by ClinVar (database versions not stated): gnomAD 0.00001; gnomAD exomes 0.00001; ExAC 0.00003; 1000 Genomes Project 30x 0.00016; 1000 Genomes Project 0.00020.
gnomAD v4.1: 17 of 1,613,170 alleles (0.0011%); highest among the groups gnomAD compares: South Asian, 0.019%; no homozygotes.

Submission:

Neuberg Centre For Genomic Medicine, NCGM
Classification: Uncertain significance for Beck-Fahrner syndrome. Review status: criteria provided, single submitter. Criteria: ACMG Guidelines, 2015. Collection method: clinical testing. Allele origin: germline. Inheritance: Autosomal dominant inheritance. Affected: yes.
Comment: The missense variant c.4427G>A (p.Gly1476Glu) in TET3 gene has not been reported previously as a pathogenic variant nor as a benign variant, to our knowledge. The p.Gly1476Glu variant has allele frequency of 0.0020% in the gnomAD and is novel (not in any individuals) in 1000 Genomes. The amino acid Gly at position 1476 is changed to a Glu changing protein sequence and it might alter its composition and physico-chemical properties. The amino acid change p.Gly1476Glu in TET3 is predicted as conserved by GERP++ and PhyloP across 100 vertebrates. For these reasons, this variant has been classified as Uncertain Significance (VUS).